The following is an entry in ClinVar:

ClinVar aggregate classification (germline): Uncertain significance (1 of 4 stars; one submission).

Submission:

Ambry Genetics
Classification: Uncertain significance. Last evaluated: 2026-06-20. Review status: criteria provided, single submitter. Criteria: Ambry Variant Classification Scheme 2023. Collection method: clinical testing. Allele origin: germline.
Comment: The p.E157D variant (also known as c.471G>C), located in coding exon 1 of the CDK12 gene, results from a G to C substitution at nucleotide position 471. The glutamic acid at codon 157 is replaced by aspartic acid, an amino acid with highly similar properties. This amino acid position is conserved. In addition, this alteration is predicted to be tolerated by in silico analysis. Based on the available evidence, the clinical significance of this variant remains unclear.

NM_016507.4(CDK12):c.471G>C (p.Glu157Asp)

Genes: CDK12 (cyclin dependent kinase 12; plus strand), LOC126862553 (CDK7 strongly-dependent group 2 enhancer GRCh37_chr17:37618166-37619365; plus strand). Cytogenetic location: 17q12.
Variant type: single nucleotide variant.
Coding change: c.471G>C on transcript NM_016507.4 (MANE Select); coding-DNA position 471, G replaced by C.
Protein change: p.Glu157Asp; replaces glutamic acid 157 with aspartic acid.
Molecular consequence: missense variant.
Genome position (GRCh38, 1-based): chr17:39,462,542, G>C. VCF-style: chr17-39462542-G-C. GRCh37 (hg19) VCF-style: chr17-37618795-G-C.
Other names: c.471G>C, p.Glu157Asp (NM_015083.4); short protein forms E157D.
Identifiers: ClinVar variation 5034055 (VCV005034055.1).
Genomic context (GRCh38, chr17:39,462,542, plus strand): 5'-CAGCAAGTCGGGATCGATGAAGGACCGGATATCGGGAAGTTCAAAGCGTTCGAATGAGGA[G>C]ACTGATGACTATGGGAAGGCGCAGGTAGCCAAAAGCAGCAGCAAGGAATCCAGGTCATCC-3'
Protein context (NP_057591.2, residues 147-167): ISGSSKRSNE[Glu157Asp]TDDYGKAQVA